The following is an entry in ClinVar:

ClinVar aggregate classification (germline): Uncertain significance (1 of 4 stars; one submission).

Conditions:
Cardiovascular phenotype. Identifiers: MedGen CN230736.

Submission:

Ambry Genetics
Classification: Uncertain significance for Cardiovascular phenotype. Last evaluated: 2025-10-28. Review status: criteria provided, single submitter. Criteria: Ambry Variant Classification Scheme 2023. Collection method: clinical testing. Allele origin: germline.
Comment: The p.V421A variant (also known as c.1262T>C), located in coding exon 7 of the SPRED1 gene, results from a T to C substitution at nucleotide position 1262. The valine at codon 421 is replaced by alanine, an amino acid with similar properties. This amino acid position is conserved. In addition, this alteration is predicted to be tolerated by in silico analysis. Based on the available evidence, the clinical significance of this variant remains unclear.

NM_152594.3(SPRED1):c.1262T>C (p.Val421Ala)

Gene: SPRED1 (sprouty related EVH1 domain containing 1; plus strand). Cytogenetic location: 15q14.
Variant type: single nucleotide variant.
Coding change: c.1262T>C on transcript NM_152594.3 (MANE Select); coding-DNA position 1262, T replaced by C.
Protein change: p.Val421Ala; replaces valine 421 with alanine.
Molecular consequence: missense variant.
Genome position (GRCh38, 1-based): chr15:38,351,591, T>C. VCF-style: chr15-38351591-T-C. GRCh37 (hg19) VCF-style: chr15-38643792-T-C.
Other names: short protein forms V421A.
Identifiers: ClinVar variation 4615021 (VCV004615021.1).